The following is an entry in ClinVar:

ClinVar aggregate classification (germline): Uncertain significance (1 of 4 stars; one submission).

Submission:

CeGaT Center for Human Genetics Tuebingen
Classification: Uncertain significance. Last evaluated: 2024-07-01. Review status: criteria provided, single submitter. Criteria: CeGaT Center For Human Genetics Tuebingen Variant Classification Criteria Version 2. Collection method: clinical testing. Allele origin: germline. Affected: yes. Observed: 1 variant allele.
Comment: PTPRQ: PM2, BP4

NM_001145026.2(PTPRQ):c.3037A>C (p.Thr1013Pro)

Gene: PTPRQ (protein tyrosine phosphatase receptor type Q; plus strand). Cytogenetic location: 12q21.31.
Variant type: single nucleotide variant.
Coding change: c.3037A>C on transcript NM_001145026.2 (MANE Select); coding-DNA position 3037, A replaced by C.
Protein change: p.Thr1013Pro; replaces threonine 1013 with proline.
Molecular consequence: missense variant.
Genome position (GRCh38, 1-based): chr12:80,539,827, A>C. VCF-style: chr12-80539827-A-C. GRCh37 (hg19) VCF-style: chr12-80933606-A-C.
Other names: short protein forms T1013P.
Identifiers: ClinVar variation 3257187 (VCV003257187.17).
Genomic context (GRCh38, chr12:80,539,827, plus strand): 5'-ATTTTTCAGAATTTTACACTCCATGAAGTAACCAATGACTTTGACAATATGACTGTATCC[A>C]CAATTATAGATAAACTGACAATATTCAGCTACTATACATTTTGGTTAACAGCAAGTACTT-3'
Protein context (NP_001138498.1, residues 1003-1023): TNDFDNMTVS[Thr1013Pro]IIDKLTIFSY